The following is an entry in ClinVar:

ClinVar aggregate classification (germline): Uncertain significance (1 of 4 stars; one submission).

Conditions:
Perlman syndrome (PRLMNS). Identifiers: Orphanet 2849, MedGen C0796113, MONDO:0009965, OMIM 267000.

Allele frequency attached by ClinVar (database versions not stated): gnomAD exomes below 0.00001; TOPMed 0.00001; ESP Exome Variant Server 0.00008.
gnomAD v4.1: 2 of 1,612,490 alleles (0.00012%); highest among the groups gnomAD compares: Non-Finnish European, 0.00017%; no homozygotes.

Submission:

Labcorp Genetics (formerly Invitae), Labcorp
Classification: Uncertain significance for Perlman syndrome. Last evaluated: 2022-07-19. Review status: criteria provided, single submitter. Criteria: Invitae Variant Classification Sherloc (09022015). Collection method: clinical testing. Allele origin: germline.
Comment: In summary, the available evidence is currently insufficient to determine the role of this variant in disease. Therefore, it has been classified as a Variant of Uncertain Significance. Algorithms developed to predict the effect of missense changes on protein structure and function are either unavailable or do not agree on the potential impact of this missense change (SIFT: "Tolerated"; PolyPhen-2: "Possibly Damaging"; Align-GVGD: "Class C0"). ClinVar contains an entry for this variant (Variation ID: 1021942). This variant has not been reported in the literature in individuals affected with DIS3L2-related conditions. This variant is not present in population databases (gnomAD no frequency). This sequence change replaces leucine, which is neutral and non-polar, with valine, which is neutral and non-polar, at codon 606 of the DIS3L2 protein (p.Leu606Val).

NM_152383.5(DIS3L2):c.1816C>G (p.Leu606Val)

Gene: DIS3L2 (DIS3 like 3'-5' exoribonuclease 2; plus strand). Cytogenetic location: 2q37.1.
Variant type: single nucleotide variant.
Coding change: c.1816C>G on transcript NM_152383.5 (MANE Select); coding-DNA position 1816, C replaced by G.
Protein change: p.Leu606Val; replaces leucine 606 with valine.
Molecular consequence: missense variant. On other transcripts: non-coding transcript variant (2), intron variant (1).
Genome position (GRCh38, 1-based): chr2:232,329,889, C>G. VCF-style: chr2-232329889-C-G. GRCh37 (hg19) VCF-style: chr2-233194599-C-G.
Other names: c.1582-13456C>G (NM_001257281.2); short protein forms L606V.
Identifiers: ClinVar variation 1021942 (VCV001021942.6), dbSNP rs368306067, ClinGen allele CA66925779.
Genomic context (GRCh38, chr2:232,329,889, plus strand): 5'-ATGCTCTTGGCCAACATGGCAGTGGCCCACAAGATCCACCGCGCCTTCCCCGAGCAGGCC[C>G]TGCTGCGCCGGCACCCCCCGCCCCAAACAAGGATGCTCAGTGACCTGGTGGAATTCTGCG-3'
Protein context (NP_689596.4, residues 596-616): KIHRAFPEQA[Leu606Val]LRRHPPPQTR